The following is an entry in ClinVar:

ClinVar aggregate classification (germline): Uncertain significance (1 of 4 stars; one submission).

Conditions:
ALG8 congenital disorder of glycosylation. Also called: CONGENITAL DISORDER OF GLYCOSYLATION, TYPE Ih; CDG Ih; ALG8-CDG. Identifiers: Orphanet 79325, MedGen C2931002, MONDO:0011969, OMIM 608104.

Allele frequency attached by ClinVar (database versions not stated): TOPMed below 0.00001; gnomAD exomes 0.00001; ExAC 0.00003.
gnomAD v4.1: 4 of 1,606,698 alleles (0.00025%); highest among the groups gnomAD compares: Admixed American, 0.0068%; no homozygotes.

Submission:

Labcorp Genetics (formerly Invitae), Labcorp
Classification: Uncertain significance for ALG8 congenital disorder of glycosylation. Last evaluated: 2025-09-15. Review status: criteria provided, single submitter. Criteria: Invitae Variant Classification Sherloc (09022015). Collection method: clinical testing. Allele origin: germline.
Comment: This sequence change replaces valine, which is neutral and non-polar, with alanine, which is neutral and non-polar, at codon 248 of the ALG8 protein (p.Val248Ala). This variant is present in population databases (rs747369737, gnomAD 0.01%). This variant has not been reported in the literature in individuals affected with ALG8-related conditions. ClinVar contains an entry for this variant (Variation ID: 1899053). Invitae Evidence Modeling of protein sequence and biophysical properties (such as structural, functional, and spatial information, amino acid conservation, physicochemical variation, residue mobility, and thermodynamic stability) has been performed for this missense variant. However, the output from this modeling did not meet the statistical confidence thresholds required to predict the impact of this variant on ALG8 protein function. In summary, the available evidence is currently insufficient to determine the role of this variant in disease. Therefore, it has been classified as a Variant of Uncertain Significance.

NM_024079.5(ALG8):c.743T>C (p.Val248Ala)

Gene: ALG8 (ALG8 alpha-1,3-glucosyltransferase; minus strand). Cytogenetic location: 11q14.1.
Variant type: single nucleotide variant.
Coding change: c.743T>C on transcript NM_024079.5 (MANE Select); coding-DNA position 743, T replaced by C.
Protein change: p.Val248Ala; replaces valine 248 with alanine.
Molecular consequence: missense variant.
Genome position (GRCh38, 1-based): chr11:78,113,920, A>G on the plus strand (T>C on the coding strand, the complement: ALG8 is on the minus strand). VCF-style: chr11-78113920-A-G. GRCh37 (hg19) VCF-style: chr11-77824966-A-G.
Other names: c.743T>C, p.Val248Ala (NM_001007027.3); short protein forms V248A.
Identifiers: ClinVar variation 1899053 (VCV001899053.5), dbSNP rs747369737, ClinGen allele CA6203355.